The following is an entry in ClinVar:

NM_000070.3(CAPN3):c.1979A>G (p.Gln660Arg)

Gene: CAPN3 (calpain 3; plus strand). Cytogenetic location: 15q15.1.
Variant type: single nucleotide variant.
Coding change: c.1979A>G on transcript NM_000070.3 (MANE Select); coding-DNA position 1979, A replaced by G.
Protein change: p.Gln660Arg; replaces glutamine 660 with arginine.
Molecular consequence: missense variant. On other transcripts: 5 prime UTR variant (2).
Genome position (GRCh38, 1-based): chr15:42,409,367, A>G. VCF-style: chr15-42409367-A-G. GRCh37 (hg19) VCF-style: chr15-42701565-A-G.
Other names: c.443A>G, p.Gln148Arg (NM_173088.2); c.-17A>G (NM_173089.2, NM_173090.2); c.1961A>G, p.Gln654Arg (NM_024344.2); c.1703A>G, p.Gln568Arg (NM_173087.2); short protein forms Q660R, Q568R, Q148R, Q654R.
Identifiers: ClinVar variation 558137 (VCV000558137.3), dbSNP rs1555422962, ClinGen allele CA392001277.

ClinVar aggregate classification (germline): Uncertain significance. Review status: criteria provided, single submitter (1 of 4 stars). 2 submissions from 2 submitters: Uncertain significance (1). 1 of the submissions does not count toward it. Last evaluated 2024-05-31.

Conditions:
Autosomal recessive limb-girdle muscular dystrophy type 2A (LGMDR1). Also called: Muscular dystrophy, limb-girdle, type 2A, Amish; LEYDEN-MOEBIUS MUSCULAR DYSTROPHY; MUSCULAR DYSTROPHY, PELVOFEMORAL; Limb-girdle muscular dystrophy, type 2A; Calpainopathy. Identifiers: Orphanet 267, MedGen C1869123, MONDO:0009675, OMIM 253600. Disease mechanism: loss of function.

Submissions (2):

Women's Health and Genetics/Laboratory Corporation of America, LabCorp
Classification: Uncertain significance. Last evaluated: 2024-05-31. Review status: criteria provided, single submitter. Criteria: LabCorp Variant Classification Summary - May 2015. Collection method: clinical testing. Allele origin: germline.
Comment: Variant summary: CAPN3 c.1979A>G (p.Gln660Arg) results in a conservative amino acid change located in the Calpain-3, penta-EF-hand domain (IPR029531) of the encoded protein sequence. Three of five in-silico tools predict a benign effect of the variant on protein function. The variant was absent in 251340 control chromosomes (gnomAD). c.1979A>G has been reported in the literature in individuals affected with Limb-Girdle Muscular Dystrophy, Autosomal Recessive (Saenz_2005, Krahn_2006, Senz_2008). These data indicate that the variant may be associated with disease. To our knowledge, no experimental evidence demonstrating an impact on protein function has been reported. The following publications have been ascertained in the context of this evaluation (PMID: 32668095, 16650086, 15689361, 19015733). ClinVar contains an entry for this variant (Variation ID: 558137). Based on the evidence outlined above, the variant was classified as VUS-possibly pathogenic.

Counsyl
Classification: Uncertain significance for Autosomal recessive limb-girdle muscular dystrophy type 2A. Last evaluated: 2018-05-01. Review status: no assertion criteria provided. Collection method: clinical testing. Allele origin: unknown. Not counted in ClinVar's aggregate classification.

Literature cited by the submitters: PubMed 32668095 (cited by Women's Health and Genetics/Laboratory Corporation of America, LabCorp); PubMed 15689361 (cited by Women's Health and Genetics/Laboratory Corporation of America, LabCorp and Counsyl); PubMed 16650086 (cited by Women's Health and Genetics/Laboratory Corporation of America, LabCorp and Counsyl); PubMed 19015733 (cited by Women's Health and Genetics/Laboratory Corporation of America, LabCorp).